The following is an entry in ClinVar:

NM_000930.5(PLAT):c.1275G>A (p.Val425=)

Gene: PLAT (plasminogen activator, tissue type; minus strand). Cytogenetic location: 8p11.21.
Variant type: single nucleotide variant.
Coding change: c.1275G>A on transcript NM_000930.5 (MANE Select); coding-DNA position 1275, G replaced by A.
Protein change: p.Val425=; no amino-acid change (valine 425 retained).
Molecular consequence: synonymous variant.
Genome position (GRCh38, 1-based): chr8:42,180,014, C>T on the plus strand (G>A on the coding strand, the complement: PLAT is on the minus strand). VCF-style: chr8-42180014-C-T. GRCh37 (hg19) VCF-style: chr8-42037532-C-T.
Other names: p.Val425=; c.1008G>A, p.Val336= (NM_001319189.2); c.1137G>A, p.Val379= (NM_033011.4).
Identifiers: ClinVar variation 4683336 (VCV004683336.1).

ClinVar aggregate classification (germline): Likely benign (1 of 4 stars; one submission).

gnomAD v4.1: 6 of 1,610,040 alleles (0.00037%); highest among the groups gnomAD compares: Non-Finnish European, 0.00051%; no homozygotes.

Submission:

Mayo Clinic Laboratories, Mayo Clinic
Classification: Likely benign. Last evaluated: 2025-07-02. Review status: criteria provided, single submitter. Criteria: ACMG Guidelines, 2015. Collection method: clinical testing. Allele origin: germline. Observed: 1 variant allele.
Comment: BP4, BP7, PM2_supporting